The following continues an entry in ClinVar:

NM_001048174.2(MUTYH):c.460C>T (p.Arg154Cys)

Gene: MUTYH. ClinVar aggregate classification (germline): Pathogenic/Likely pathogenic. Pathogenic (13); Likely pathogenic (3).

Submissions 7 to 19 of 19:

All of Us Research Program, National Institutes of Health
Classification: Pathogenic for Familial adenomatous polyposis 2. Last evaluated: 2024-09-23. Review status: criteria provided, single submitter. Criteria: ACMG Guidelines, 2015. Collection method: clinical testing. Allele origin: germline. Inheritance: Autosomal recessive inheritance. Observed: 4 variant alleles, 4 heterozygotes.
Comment: This missense variant replaces arginine with cysteine at codon 182 of the MUTYH protein. This variant is also known as c.502C>T (p.Arg168Cys) in the literature based on a different transcript (NM_001048171). Computational prediction suggests that this variant may have deleterious impact on protein structure and function (internally defined REVEL score threshold >= 0.7, PMID: 27666373). A functional study has shown that the mutant protein is unable to complement MutY-deficient bacterial cells (PMID: 25820570). This variant has been reported in individuals affected with multiple adenomatous polyposis in compound heterozygous state with a known pathogenic variant (PMID: 15236166, 16890597, 18091433). This variant has been identified in 1/251458 chromosomes in the general population by the Genome Aggregation Database (gnomAD). A different variant occurring at the same amino acid position, NM_001128425.2:c.545G>A (p.Arg182His) (a.k.a. NM_001048174.2:c.461G>A (p.Arg154His)) is known to be disease-causing (ClinVar variation ID: 182689), indicating that arginine at this position is important for MUTYH function. Based on the available evidence, this variant is classified as Pathogenic.

This study involves interpretation of variants in research participants for the purpose of population health screening. Participant phenotype was not available at the time of variant classification. Additional details can be found in publication PMID: 35346344, PMCID: PMC8962531

Genomic Medicine Center of Excellence, King Faisal Specialist Hospital and Research Centre
Classification: Likely pathogenic for Familial adenomatous polyposis 2. Last evaluated: 2024-03-25. Review status: criteria provided, single submitter. Criteria: ACMG Guidelines, 2015. Collection method: clinical testing. Allele origin: germline.

Baylor Genetics
Classification: Pathogenic for Familial adenomatous polyposis 2. Last evaluated: 2024-03-22. Review status: criteria provided, single submitter. Criteria: ACMG Guidelines, 2015. Collection method: clinical testing. Allele origin: unknown.

GeneDx
Classification: Pathogenic. Last evaluated: 2023-02-28. Review status: criteria provided, single submitter. Criteria: GeneDx Variant Classification Process June 2021. Collection method: clinical testing. Allele origin: germline. Affected: yes.
Comment: Published functional studies demonstrate a damaging effect: defective glycolase activity (Komine et al., 2015); Not observed at significant frequency in large population cohorts (gnomAD); In silico analysis supports that this missense variant has a deleterious effect on protein structure/function; This variant is associated with the following publications: (PMID: 17949294, 21777424, 35545820, 18301448, 19506731, 16890597, 18091433, 15236166, 21195604, 19279422, 27829682, 16042573, 30787465, 25525159, 32761968, 34704405, 25820570)

CeGaT Center for Human Genetics Tuebingen
Classification: Likely pathogenic. Last evaluated: 2022-10-01. Review status: criteria provided, single submitter. Criteria: CeGaT Center For Human Genetics Tuebingen Variant Classification Criteria Version 2. Collection method: clinical testing. Allele origin: germline. Affected: yes. Observed: 1 variant allele.
Comment: MUTYH: PM2, PM3, PS3:Moderate

Laboratorio de Genetica e Diagnostico Molecular, Hospital Israelita Albert Einstein
Classification: Pathogenic for Familial adenomatous polyposis 2. Last evaluated: 2022-08-26. Review status: criteria provided, single submitter. Criteria: ACMG Guidelines, 2015. Collection method: clinical testing. Allele origin: germline. Affected: yes. Observed: 1 variant allele.
Comment: ACMG classification criteria: PS3 supporting, PS4 strong, PM2 moderated, PM3 very strong, PP1 supporting

Institute of Medical Genetics and Applied Genomics, University Hospital Tübingen
Classification: Pathogenic. Last evaluated: 2020-10-23. Review status: criteria provided, single submitter. Criteria: ACMG Guidelines, 2015. Collection method: clinical testing. Allele origin: germline. Inheritance: Autosomal recessive inheritance. Affected: yes.

Genetics and Molecular Pathology, SA Pathology
Classification: Likely pathogenic for Pilomatrixoma. Last evaluated: 2019-11-15. Review status: criteria provided, single submitter. Criteria: ACMG Guidelines, 2015. Collection method: clinical testing. Allele origin: germline. Inheritance: Somatic mutation. Affected: yes.

Revvity Omics, Revvity
Classification: Pathogenic for Familial adenomatous polyposis 2. Last evaluated: 2019-02-20. Review status: criteria provided, single submitter. Criteria: ACMG Guidelines, 2015. Collection method: clinical testing. Allele origin: germline.

Institute of Human Genetics, University of Leipzig Medical Center
Classification: Pathogenic for Familial adenomatous polyposis 2. Last evaluated: 2018-03-15. Review status: criteria provided, single submitter. Criteria: ACMG Guidelines, 2015. Collection method: clinical testing. Allele origin: germline. Affected: yes. Observed: 1 variant allele.

Counsyl
Classification: Likely pathogenic for Familial adenomatous polyposis 2. Last evaluated: 2016-12-16. Review status: no assertion criteria provided. Collection method: clinical testing. Allele origin: unknown. Not counted in ClinVar's aggregate classification.

Department of Pathology and Laboratory Medicine, Sinai Health System
Classification: Pathogenic. Review status: no assertion criteria provided. Collection method: clinical testing. Allele origin: unknown. Affected: yes. Study: The Canadian Open Genetics Repository (COGR). Not counted in ClinVar's aggregate classification.
Comment: The MUTYH p.Arg182Cys variant was identified in 5 of 1204 proband chromosomes (frequency: 0.004) from individuals or families with colorectal cancer, and was not identified in 2444 control chromosomes from healthy individuals (Cattaneo 2007, De Rosa 2009, Di Gregorio 2006, Olschwang 2007, Steinke 2008). The variant was also identified in dbSNP (ID: rs747993448) as â€šÃ„ÃºWith Pathogenic alleleâ€šÃ„Ã¹, Clinvitae database (classified as pathogenic by Invitae and likely pathogenic by ClinVar), InSiGHT Colon Cancer Gene Variant Database (LOVD), ClinVar database (classified as pathogenic by Ambry Genetics and Invitae; classified as likely pathogenic by GenDx) and UMD (2x with a â€šÃ„Ãºlikely causalâ€šÃ„Ã¹ classification). In UMD the variant was identified with a co-occurring pathogenic MUTYH variant (c.494A>G, p.Tyr165Cys) increasing the likelihood that the variant has clinical significance. The p.Arg182 residue is conserved across mammals and other organisms, and computational analyses (PolyPhen-2, SIFT, AlignGVGD, BLOSUM, MutationTaster) suggest that the variant may impact the protein; however, this information is not predictive enough to assume pathogenicity. The variant occurs outside of the splicing consensus sequence and in silico or computational prediction software programs (SpliceSiteFinder, MaxEntScan, NNSPLICE, GeneSplicer, HumanSpliceFinder) do not predict a difference in splicing. In addition, the variant was identified in patients as one of the biallelic missense variants along with: c.494A>G, p.Tyr165Cys predicted to severely impair the MUTYH protein function (Cattaneo 2007) and c.1395_97delGGA, p.466delE in a patient with classical polyposis phenotype with recessive inheritance (De Rosa 2009). In summary, based on the above information, this variant meets our laboratoryâ€šÃ„Ã´s criteria to be classified as pathogenic.

Laboratory of Molecular Epidemiology of Birth Defects, West China Second University Hospital, Sichuan University
Classification: Benign for Ovarian cancer. Last evaluated: 2022-01-01. Review status: flagged submission. Criteria: ACMG Guidelines, 2015. Collection method: clinical testing. Allele origin: germline. Affected: yes. Not counted in ClinVar's aggregate classification.
ClinVar note: Reason: Outlier claim with insufficient supporting evidence

Literature cited by the submitters: PubMed 15236166 (cited by 6 submitters); PubMed 16890597 (cited by 5 submitters); PubMed 18091433 (cited by 3 submitters); PubMed 18301448 (cited by 3 submitters); PubMed 19279422 (cited by Labcorp Genetics (formerly Invitae), Labcorp and Counsyl); PubMed 21195604 (cited by 3 submitters); PubMed 25820570 (cited by 6 submitters); PubMed 20848659 (cited by Labcorp Genetics (formerly Invitae), Labcorp and Center for Genomic Medicine, Rigshospitalet, Copenhagen University Hospital); PubMed 23322991 (cited by Labcorp Genetics (formerly Invitae), Labcorp); PubMed 20618354 (cited by Women's Health and Genetics/Laboratory Corporation of America, LabCorp); PubMed 34704405 (cited by Women's Health and Genetics/Laboratory Corporation of America, LabCorp and Center for Genomic Medicine, Rigshospitalet, Copenhagen University Hospital); PubMed 27829682 (cited by Center for Genomic Medicine, Rigshospitalet, Copenhagen University Hospital); PubMed 16042573 (cited by Counsyl).